The following is an entry in ClinVar:

ClinVar aggregate classification (germline): Uncertain significance. Review status: criteria provided, multiple submitters, no conflicts (2 of 4 stars). 4 submissions from 4 submitters: Uncertain significance (4). Last evaluated 2023-11-28.

Conditions:
Osteogenesis imperfecta type 8 (OI8). Identifiers: MedGen C1970458, MONDO:0012581, OMIM 610915.
Inborn genetic diseases. Identifiers: MedGen C0950123, MeSH D030342.

Allele frequency attached by ClinVar (database versions not stated): TOPMed 0.00003; ExAC 0.00004; gnomAD 0.00004 and 0.00005; gnomAD exomes 0.00005.
gnomAD v4.1: 56 of 1,610,946 alleles (0.0035%); highest among the groups gnomAD compares: East Asian, 0.016%; no homozygotes.

Submissions (4):

Blueprint Genetics
Classification: Uncertain significance. Last evaluated: 2023-11-28. Review status: criteria provided, single submitter. Criteria: ACMG Guidelines, 2015. Collection method: clinical testing. Allele origin: germline.

Genome-Nilou Lab
Classification: Uncertain significance for Osteogenesis imperfecta type 8. Last evaluated: 2023-04-11. Review status: criteria provided, single submitter. Criteria: ACMG Guidelines, 2015. Collection method: clinical testing. Allele origin: germline. Affected: no.

Ambry Genetics
Classification: Uncertain significance for Inborn genetic diseases. Last evaluated: 2022-11-08. Review status: criteria provided, single submitter. Criteria: Ambry Variant Classification Scheme 2023. Collection method: clinical testing. Allele origin: germline.

Labcorp Genetics (formerly Invitae), Labcorp
Classification: Uncertain significance for Osteogenesis imperfecta type 8. Last evaluated: 2022-07-30. Review status: criteria provided, single submitter. Criteria: Invitae Variant Classification Sherloc (09022015). Collection method: clinical testing. Allele origin: germline.
Comment: This sequence change replaces valine, which is neutral and non-polar, with methionine, which is neutral and non-polar, at codon 649 of the P3H1 protein (p.Val649Met). This variant is present in population databases (rs775492271, gnomAD 0.04%). This variant has not been reported in the literature in individuals affected with P3H1-related conditions. ClinVar contains an entry for this variant (Variation ID: 1063677). Algorithms developed to predict the effect of missense changes on protein structure and function are either unavailable or do not agree on the potential impact of this missense change (SIFT: "Deleterious"; PolyPhen-2: "Probably Damaging"; Align-GVGD: "Class C0"). In summary, the available evidence is currently insufficient to determine the role of this variant in disease. Therefore, it has been classified as a Variant of Uncertain Significance.

NM_022356.4(P3H1):c.1945G>A (p.Val649Met)

Gene: P3H1 (prolyl 3-hydroxylase 1; minus strand). Cytogenetic location: 1p34.2.
Variant type: single nucleotide variant.
Coding change: c.1945G>A on transcript NM_022356.4 (MANE Select); coding-DNA position 1945, G replaced by A.
Protein change: p.Val649Met; replaces valine 649 with methionine.
Molecular consequence: missense variant.
Genome position (GRCh38, 1-based): chr1:42,747,382, C>T on the plus strand (G>A on the coding strand, the complement: P3H1 is on the minus strand). VCF-style: chr1-42747382-C-T. GRCh37 (hg19) VCF-style: chr1-43213053-C-T.
Other names: c.1945G>A, p.Val649Met (NM_001146289.2, NM_001243246.2); c.1945G>A (NM_022356.3); short protein forms V649M.
Identifiers: ClinVar variation 1063677 (VCV001063677.8), dbSNP rs775492271, ClinGen allele CA801634.